The following is an entry in ClinVar:

NM_000784.4(CYP27A1):c.110C>T (p.Ser37Leu)

Gene: CYP27A1 (cytochrome P450 family 27 subfamily A member 1; plus strand). Cytogenetic location: 2q35.
Variant type: single nucleotide variant.
Coding change: c.110C>T on transcript NM_000784.4 (MANE Select); coding-DNA position 110, C replaced by T.
Protein change: p.Ser37Leu; replaces serine 37 with leucine.
Molecular consequence: missense variant.
Genome position (GRCh38, 1-based): chr2:218,782,292, C>T. VCF-style: chr2-218782292-C-T. GRCh37 (hg19) VCF-style: chr2-219647015-C-T.
Other names: c.110C>T (NM_000784.3); short protein forms S37L.
Identifiers: ClinVar variation 598667 (VCV000598667.7), dbSNP rs1559384559, ClinGen allele CA350576000.

ClinVar aggregate classification (germline): Uncertain significance. Review status: criteria provided, multiple submitters, no conflicts (2 of 4 stars). 3 submissions from 3 submitters: Uncertain significance (2). 1 of the submissions does not count toward it. Last evaluated 2021-12-22.

Conditions:
CYP27A1-related disorder. Also called: CYP27A1-related condition.
Cholestanol storage disease (CTX). Also called: Cerebrotendinous Xanthomatosis; CTX: Cerebrotendinous xanthomatosis; CEREBRAL CHOLESTERINOSIS. Identifiers: Orphanet 909, MedGen C0238052, MONDO:0008948, OMIM 213700.

Allele frequency attached by ClinVar (database versions not stated): gnomAD exomes below 0.00001.
gnomAD v4.1: 1 of 1,599,388 alleles (0.000063%); highest among the groups gnomAD compares: Admixed American, 0.0017%; no homozygotes.

Submissions (3):

Fulgent Genetics
Classification: Uncertain significance for Cholestanol storage disease. Last evaluated: 2021-12-22. Review status: criteria provided, single submitter. Criteria: ACMG Guidelines, 2015. Collection method: clinical testing. Allele origin: unknown.

Eurofins Ntd Llc (ga)
Classification: Uncertain significance. Last evaluated: 2018-09-07. Review status: criteria provided, single submitter. Criteria: EGL ClinVar v180209 classification definitions. Collection method: clinical testing. Allele origin: germline. Observed: 1 variant allele, 1 heterozygote.

PreventionGenetics, part of Exact Sciences
Classification: Uncertain significance for CYP27A1-related condition. Last evaluated: 2024-03-25. Review status: no assertion criteria provided. Collection method: clinical testing. Allele origin: germline. Not counted in ClinVar's aggregate classification.
Comment: The CYP27A1 c.110C>T variant is predicted to result in the amino acid substitution p.Ser37Leu. To our knowledge, this variant has not been reported in the literature or in a large population database, indicating this variant is rare. At this time, the clinical significance of this variant is uncertain due to the absence of conclusive functional and genetic evidence.